The following is an entry in ClinVar:

NM_022051.3(EGLN1):c.824G>C (p.Ser275Thr)

Genes: EGLN1 (egl-9 family hypoxia inducible factor 1; minus strand), LOC129932769 (ATAC-STARR-seq lymphoblastoid active region 2730; plus strand). Cytogenetic location: 1q42.2.
Variant type: single nucleotide variant.
Coding change: c.824G>C on transcript NM_022051.3 (MANE Select); coding-DNA position 824, G replaced by C.
Protein change: p.Ser275Thr; replaces serine 275 with threonine.
Molecular consequence: missense variant.
Genome position (GRCh38, 1-based): chr1:231,421,065, C>G on the plus strand (G>C on the coding strand, the complement: EGLN1 is on the minus strand). VCF-style: chr1-231421065-C-G. GRCh37 (hg19) VCF-style: chr1-231556811-C-G.
Other names: c.824G>C, p.Ser275Thr (NM_001377260.1, NM_001377261.1); short protein forms S275T.
Identifiers: ClinVar variation 3507228 (VCV003507228.1).

ClinVar aggregate classification (germline): Uncertain significance (1 of 4 stars; one submission).

gnomAD v4.1: 1 of 1,614,182 alleles (0.000062%); highest among the groups gnomAD compares: Non-Finnish European, 0.000085%; no homozygotes.

Submission:

Ambry Genetics
Classification: Uncertain significance. Last evaluated: 2024-09-30. Review status: criteria provided, single submitter. Criteria: Ambry Variant Classification Scheme 2023. Collection method: clinical testing. Allele origin: germline.
Comment: The p.S275T variant (also known as c.824G>C), located in coding exon 1 of the EGLN1 gene, results from a G to C substitution at nucleotide position 824. The serine at codon 275 is replaced by threonine, an amino acid with similar properties. This amino acid position is conserved. In addition, this alteration is predicted to be tolerated by in silico analysis. Based on the available evidence, the clinical significance of this variant remains unclear.